The following is an entry in ClinVar:

ClinVar aggregate classification (germline): Likely benign. Review status: criteria provided, multiple submitters, no conflicts (2 of 4 stars). 2 submissions from 2 submitters: Likely benign (2). Last evaluated 2025-12-31.

Submissions (2):

Labcorp Genetics (formerly Invitae), Labcorp
Classification: Likely benign. Last evaluated: 2025-12-31. Review status: criteria provided, single submitter. Criteria: Invitae Variant Classification Sherloc (09022015). Collection method: clinical testing. Allele origin: germline.

Mayo Clinic Laboratories, Mayo Clinic
Classification: Likely benign. Last evaluated: 2024-10-10. Review status: criteria provided, single submitter. Criteria: ACMG Guidelines, 2015. Collection method: clinical testing. Allele origin: germline. Observed: 2 variant alleles.
Comment: BP4, BP7, PM2_supporting

NM_024747.6(HPS6):c.2145G>A (p.Glu715=)

Gene: HPS6 (HPS6 biogenesis of lysosomal organelles complex 2 subunit 3; plus strand). Cytogenetic location: 10q24.32.
Variant type: single nucleotide variant.
Coding change: c.2145G>A on transcript NM_024747.6 (MANE Select); coding-DNA position 2145, G replaced by A.
Protein change: p.Glu715=; no amino-acid change (glutamic acid 715 retained).
Molecular consequence: synonymous variant.
Genome position (GRCh38, 1-based): chr10:102,067,619, G>A. VCF-style: chr10-102067619-G-A. GRCh37 (hg19) VCF-style: chr10-103827376-G-A.
Other names: p.Glu715=.
Identifiers: ClinVar variation 1533120 (VCV001533120.9), dbSNP rs543325519, ClinGen allele CA212202446.